The following is an entry in ClinVar:

NM_014915.3(ANKRD26):c.488C>T (p.Thr163Ile)

Gene: ANKRD26 (ankyrin repeat domain containing 26; minus strand). Cytogenetic location: 10p12.1.
Variant type: single nucleotide variant.
Coding change: c.488C>T on transcript NM_014915.3 (MANE Select); coding-DNA position 488, C replaced by T.
Protein change: p.Thr163Ile; replaces threonine 163 with isoleucine.
Molecular consequence: missense variant.
Genome position (GRCh38, 1-based): chr10:27,093,392, G>A on the plus strand (C>T on the coding strand, the complement: ANKRD26 is on the minus strand). VCF-style: chr10-27093392-G-A. GRCh37 (hg19) VCF-style: chr10-27382321-G-A.
Other names: c.488C>T, p.Thr163Ile (NM_001256053.2); short protein forms T163I.
Identifiers: ClinVar variation 3915161 (VCV003915161.1).
Genomic context (GRCh38, chr10:27,093,392, plus strand): 5'-AGTTGGTTGATCTATACCTTGTTTTTTGCTTCAATATTTGCATCATACAAAAGCAGCTTT[G>A]TTGCTACTGATATGTCCTCATTATAGACAGCATAGTGAAGAGCAGTGTTGCCATGGACAT-3'
Protein context (NP_055730.2, residues 153-173): AVYNEDISVA[Thr163Ile]KLLLYDANIE

ClinVar aggregate classification (germline): Uncertain significance (1 of 4 stars; one submission).

Conditions:
Inborn genetic diseases. Identifiers: MedGen C0950123, MeSH D030342.

Submission:

Ambry Genetics
Classification: Uncertain significance for Inborn genetic diseases. Last evaluated: 2025-06-08. Review status: criteria provided, single submitter. Criteria: Ambry Variant Classification Scheme 2023. Collection method: clinical testing. Allele origin: germline.
Comment: The p.T163I variant (also known as c.488C>T), located in coding exon 3 of the ANKRD26 gene, results from a C to T substitution at nucleotide position 488. The threonine at codon 163 is replaced by isoleucine, an amino acid with similar properties. This amino acid position is conserved. In addition, this alteration is predicted to be tolerated by in silico analysis. Based on the available evidence, the clinical significance of this variant remains unclear.